The following is an entry in ClinVar:

ClinVar aggregate classification (germline): Uncertain significance (1 of 4 stars; one submission).

Allele frequency attached by ClinVar (database versions not stated): ESP Exome Variant Server 0.00008.
gnomAD v4.1: 562 of 1,613,170 alleles (0.035%); highest among the groups gnomAD compares: Non-Finnish European, 0.046%; no homozygotes.

Submission:

Labcorp Genetics (formerly Invitae), Labcorp
Classification: Uncertain significance. Last evaluated: 2025-12-23. Review status: criteria provided, single submitter. Criteria: Invitae Variant Classification Sherloc (09022015). Collection method: clinical testing. Allele origin: germline.
Comment: This sequence change creates a premature translational stop signal (p.Arg487*) in the ITGAM gene. It is expected to result in an absent or disrupted protein product. However, the current clinical and genetic evidence is not sufficient to establish whether loss-of-function variants in ITGAM cause disease. This variant is present in population databases (rs368391866, gnomAD 0.02%). This variant has not been reported in the literature in individuals affected with ITGAM-related conditions. ClinVar contains an entry for this variant (Variation ID: 2071041). In summary, the available evidence is currently insufficient to determine the role of this variant in disease. Therefore, it has been classified as a Variant of Uncertain Significance.

NM_000632.4(ITGAM):c.1459C>T (p.Arg487Ter)

Gene: ITGAM (integrin subunit alpha M; plus strand). Cytogenetic location: 16p11.2.
Variant type: single nucleotide variant.
Coding change: c.1459C>T on transcript NM_000632.4 (MANE Select); coding-DNA position 1459, C replaced by T.
Protein change: p.Arg487Ter; replaces arginine 487 with a stop codon.
Molecular consequence: nonsense.
Genome position (GRCh38, 1-based): chr16:31,297,616, C>T. VCF-style: chr16-31297616-C-T. GRCh37 (hg19) VCF-style: chr16-31308937-C-T.
Other names: c.1459C>T, p.Arg487Ter (NM_001145808.2); short protein forms R487*.
Identifiers: ClinVar variation 2071041 (VCV002071041.4), dbSNP rs368391866, ClinGen allele CA8025554.